The following is an entry in ClinVar:

ClinVar aggregate classification (germline): Uncertain significance (1 of 4 stars; one submission).

Conditions:
Polyhydramnios, megalencephaly, and symptomatic epilepsy (PMSE). Also called: PMSE SYNDROME. Identifiers: Orphanet 500533, MedGen C1970203, MONDO:0012611, OMIM 611087.

Allele frequency attached by ClinVar (database versions not stated): TOPMed 0.00001; gnomAD 0.00003.
gnomAD v4.1: 51 of 1,610,204 alleles (0.0032%); highest among the groups gnomAD compares: Admixed American, 0.015%; no homozygotes.

Submission:

Labcorp Genetics (formerly Invitae), Labcorp
Classification: Uncertain significance for Polyhydramnios, megalencephaly, and symptomatic epilepsy. Last evaluated: 2022-07-06. Review status: criteria provided, single submitter. Criteria: Invitae Variant Classification Sherloc (09022015). Collection method: clinical testing. Allele origin: germline.
Comment: Algorithms developed to predict the effect of missense changes on protein structure and function are either unavailable or do not agree on the potential impact of this missense change (SIFT: "Deleterious"; PolyPhen-2: "Probably Damaging"; Align-GVGD: "Class C0"). In summary, the available evidence is currently insufficient to determine the role of this variant in disease. Therefore, it has been classified as a Variant of Uncertain Significance. ClinVar contains an entry for this variant (Variation ID: 575275). This sequence change replaces arginine, which is basic and polar, with glutamine, which is neutral and polar, at codon 333 of the STRADA protein (p.Arg333Gln). This variant is present in population databases (no rsID available, gnomAD 0.02%). This variant has not been reported in the literature in individuals affected with STRADA-related conditions.

NM_001003787.4(STRADA):c.998G>A (p.Arg333Gln)

Gene: STRADA (STE20 related adaptor alpha; minus strand). Cytogenetic location: 17q23.3.
Variant type: single nucleotide variant.
Coding change: c.998G>A on transcript NM_001003787.4 (MANE Select); coding-DNA position 998, G replaced by A.
Protein change: p.Arg333Gln; replaces arginine 333 with glutamine.
Molecular consequence: missense variant. On other transcripts: non-coding transcript variant (1).
Genome position (GRCh38, 1-based): chr17:63,704,443, C>T on the plus strand (G>A on the coding strand, the complement: STRADA is on the minus strand). VCF-style: chr17-63704443-C-T. GRCh37 (hg19) VCF-style: chr17-61781803-C-T.
Other names: c.887G>A, p.Arg296Gln (NM_001003786.3, NM_001363789.1, NM_153335.6); c.824G>A, p.Arg275Gln (NM_001003788.3, NM_001363790.1, NM_001363791.1); c.911G>A, p.Arg304Gln (NM_001165969.2, NM_001363787.1); c.866G>A, p.Arg289Gln (NM_001165970.2); c.974G>A, p.Arg325Gln (NM_001363786.1); c.998G>A, p.Arg333Gln (NM_001363788.1); short protein forms R333Q, R296Q, R325Q, R275Q, R289Q, R304Q.
Identifiers: ClinVar variation 575275 (VCV000575275.7), dbSNP rs754413346, ClinGen allele CA8703165.